The following is an entry in ClinVar:

NM_001267550.2(TTN):c.104242G>T (p.Glu34748Ter)

Genes: TTN-AS1 (TTN antisense RNA 1; plus strand), TTN (titin; minus strand). Cytogenetic location: 2q31.2.
Variant type: single nucleotide variant.
Coding change: c.104242G>T on transcript NM_001267550.2 (MANE Select); coding-DNA position 104242, G replaced by T.
Protein change: p.Glu34748Ter; replaces glutamic acid 34748 with a stop codon.
Molecular consequence: nonsense.
Genome position (GRCh38, 1-based): chr2:178,532,373, C>A on the plus strand (G>T on the coding strand, the complement: TTN is on the minus strand). VCF-style: chr2-178532373-C-A. GRCh37 (hg19) VCF-style: chr2-179397100-C-A.
Other names: c.99319G>T, p.Glu33107Ter (NM_001256850.1); c.77047G>T, p.Glu25683Ter (NM_003319.4); c.96538G>T, p.Glu32180Ter (NM_133378.4); c.77422G>T, p.Glu25808Ter (NM_133432.3); c.77623G>T, p.Glu25875Ter (NM_133437.4); short protein forms E25808*, E33107*, E25683*, E25875*, E32180*, E34748*.
Identifiers: ClinVar variation 2941115 (VCV002941115.3), dbSNP rs2468448766, ClinGen allele CA349412169.

ClinVar aggregate classification (germline): Likely pathogenic (1 of 4 stars; one submission).

Conditions:
Dilated cardiomyopathy 1G (CMD1G). Identifiers: Orphanet 154, MedGen C1858763, MONDO:0011400, OMIM 604145.
Autosomal recessive limb-girdle muscular dystrophy type 2J (LGMDR10). Also called: Limb-girdle muscular dystrophy, type 2J; MUSCULAR DYSTROPHY, LIMB-GIRDLE, AUTOSOMAL RECESSIVE 10. Identifiers: Orphanet 140922, MedGen C1837342, MONDO:0012127, OMIM 608807.

Submission:

Labcorp Genetics (formerly Invitae), Labcorp
Classification: Likely pathogenic for Dilated cardiomyopathy 1G; Autosomal recessive limb-girdle muscular dystrophy type 2J. Last evaluated: 2023-12-06. Review status: criteria provided, single submitter. Criteria: Invitae Variant Classification Sherloc (09022015). Collection method: clinical testing. Allele origin: germline.
Comment: This sequence change creates a premature translational stop signal (p.Glu34748*) in the TTN gene. While this is not anticipated to result in nonsense mediated decay, it is expected to create a truncated TTN protein. This variant is not present in population databases (gnomAD no frequency). This variant has not been reported in the literature in individuals affected with TTN-related conditions. This variant is located in the M band of TTN (PMID: 25589632). Truncating variants in this region have been previously reported in individuals affected with autosomal recessive myopathy and muscular dystrophy (PMID: 18948003, 23975875, 24395473). Truncating variants in this region have also been identified in individuals affected with autosomal dominant dilated cardiomyopathy and/or cardio-related conditions (PMID: 27869827, 32964742). In summary, the currently available evidence indicates that the variant is pathogenic, but additional data are needed to prove that conclusively. Therefore, this variant has been classified as Likely Pathogenic.

Literature cited by the submitters: PubMed 25589632; PubMed 18948003; PubMed 23975875; PubMed 24395473; PubMed 27869827; PubMed 32964742.